The following is an entry in ClinVar:

ClinVar aggregate classification (germline): Uncertain significance. Review status: criteria provided, multiple submitters, no conflicts (2 of 4 stars). 3 submissions from 3 submitters: Uncertain significance (3). Last evaluated 2025-12-25.

Conditions:
Cardiovascular phenotype. Identifiers: MedGen CN230736.
Arrhythmogenic right ventricular dysplasia 11. Also called: Arrhythmogenic right ventricular dysplasia 11 with mild palmoplantar keratoderma and woolly hair; Arrhythmogenic Right Ventricular Dysplasia/Cardiomyopathy11; ARRHYTHMOGENIC RIGHT VENTRICULAR DYSPLASIA, FAMILIAL, 11. Identifiers: MedGen C1864850, MONDO:0012506, OMIM 610476.

Allele frequency attached by ClinVar (database versions not stated): gnomAD 0.00001; TOPMed 0.00001.
gnomAD v4.1: 2 of 1,613,928 alleles (0.00012%); highest among the groups gnomAD compares: African/African-American, 0.0013%; no homozygotes.

Submissions (3):

Labcorp Genetics (formerly Invitae), Labcorp
Classification: Uncertain significance for Arrhythmogenic right ventricular dysplasia 11. Last evaluated: 2025-12-25. Review status: criteria provided, single submitter. Criteria: Invitae Variant Classification Sherloc (09022015). Collection method: clinical testing. Allele origin: germline.
Comment: This sequence change replaces leucine, which is neutral and non-polar, with histidine, which is basic and polar, at codon 881 of the DSC2 protein (p.Leu881His). This variant is not present in population databases (gnomAD no frequency). This variant has not been reported in the literature in individuals affected with DSC2-related conditions. ClinVar contains an entry for this variant (Variation ID: 1423280). An algorithm developed to predict the effect of missense changes on protein structure and function (PolyPhen-2) suggests that this variant is likely to be disruptive. In summary, the available evidence is currently insufficient to determine the role of this variant in disease. Therefore, it has been classified as a Variant of Uncertain Significance.

Ambry Genetics
Classification: Uncertain significance for Cardiovascular phenotype. Last evaluated: 2024-03-29. Review status: criteria provided, single submitter. Criteria: Ambry Variant Classification Scheme 2023. Collection method: clinical testing. Allele origin: germline.
Comment: The p.L881H variant (also known as c.2642T>A), located in coding exon 16 of the DSC2 gene, results from a T to A substitution at nucleotide position 2642. The leucine at codon 881 is replaced by histidine, an amino acid with similar properties. This amino acid position is highly conserved in available vertebrate species. In addition, this alteration is predicted to be deleterious by in silico analysis. Since supporting evidence is limited at this time, the clinical significance of this alteration remains unclear.

GeneDx
Classification: Uncertain significance. Last evaluated: 2022-08-03. Review status: criteria provided, single submitter. Criteria: GeneDx Variant Classification Process June 2021. Collection method: clinical testing. Allele origin: germline. Affected: yes.
Comment: Not observed at significant frequency in large population cohorts (gnomAD); In silico analysis supports that this missense variant has a deleterious effect on protein structure/function; Has not been previously published as pathogenic or benign to our knowledge

NM_024422.6(DSC2):c.2642T>A (p.Leu881His)

Gene: DSC2 (desmocollin 2; minus strand). Cytogenetic location: 18q12.1.
Variant type: single nucleotide variant.
Coding change: c.2642T>A on transcript NM_024422.6 (MANE Select); coding-DNA position 2642, T replaced by A.
Protein change: p.Leu881His; replaces leucine 881 with histidine.
Molecular consequence: missense variant. On other transcripts: 3 prime UTR variant (1).
Genome position (GRCh38, 1-based): chr18:31,068,079, A>T on the plus strand (T>A on the coding strand, the complement: DSC2 is on the minus strand). VCF-style: chr18-31068079-A-T. GRCh37 (hg19) VCF-style: chr18-28648045-A-T.
Other names: c.*144T>A (NM_004949.5); short protein forms L881H.
Identifiers: ClinVar variation 1423280 (VCV001423280.13), dbSNP rs1231247825, ClinGen allele CA402110237.
Genomic context (GRCh38, chr18:31,068,079, plus strand): 5'-CTCTTCATGCATGCTTCTGCTAGTGTCCTAAATTTGGGCTCCAAATTATCCAAAAATTCA[A>T]GCCCATCTTCTTCTTGTCGTTCACTGCAACAACCTACAGACCCAGCCACCGATCCTCTTC-3'
Protein context (NP_077740.1, residues 871-891): CCSERQEEDG[Leu881His]EFLDNLEPKF